The following is an entry in ClinVar:

ClinVar aggregate classification (germline): Uncertain significance. Review status: criteria provided, multiple submitters, no conflicts (2 of 4 stars). 2 submissions from 2 submitters: Uncertain significance (2). Last evaluated 2024-05-13.

Allele frequency attached by ClinVar (database versions not stated): gnomAD exomes below 0.00001; TOPMed below 0.00001; ESP Exome Variant Server 0.00008.

Submissions (2):

GeneDx
Classification: Uncertain significance. Last evaluated: 2024-05-13. Review status: criteria provided, single submitter. Criteria: GeneDx Variant Classification Process June 2021. Collection method: clinical testing. Allele origin: germline. Affected: yes.
Comment: Not observed at significant frequency in large population cohorts (gnomAD); In silico analysis supports that this missense variant has a deleterious effect on protein structure/function; Has not been previously published as pathogenic or benign to our knowledge

Ambry Genetics
Classification: Uncertain significance. Last evaluated: 2023-12-27. Review status: criteria provided, single submitter. Criteria: Ambry Variant Classification Scheme 2023. Collection method: clinical testing. Allele origin: germline.

NM_016138.5(COQ7):c.607A>T (p.Ile203Phe)

Gene: COQ7 (coenzyme Q7, hydroxylase; plus strand). Cytogenetic location: 16p12.3.
Variant type: single nucleotide variant.
Coding change: c.607A>T on transcript NM_016138.5 (MANE Select); coding-DNA position 607, A replaced by T.
Protein change: p.Ile203Phe; replaces isoleucine 203 with phenylalanine.
Molecular consequence: missense variant. On other transcripts: non-coding transcript variant (3).
Genome position (GRCh38, 1-based): chr16:19,078,111, A>T. VCF-style: chr16-19078111-A-T. GRCh37 (hg19) VCF-style: chr16-19089433-A-T.
Other names: c.493A>T, p.Ile165Phe (NM_001190983.2, NM_001370492.1, NM_001370493.1 and 1 more transcripts); c.565A>T, p.Ile189Phe (NM_001370489.1); c.538A>T, p.Ile180Phe (NM_001370490.1); c.496A>T, p.Ile166Phe (NM_001370491.1); c.424A>T, p.Ile142Phe (NM_001370495.1); short protein forms I189F, I165F, I142F, I203F, I166F, I180F.
Identifiers: ClinVar variation 3076332 (VCV003076332.2), dbSNP rs369129860, ClinGen allele CA278728513.
Genomic context (GRCh38, chr16:19,078,111, plus strand): 5'-GTTTCTTTGTTTGCTTATTGTTTTTAACAGGCTCCAGCCTATGCCGTCCTGAAGAGCATT[A>T]TCCAGGCCGGATGCAGAGTGGCGATATATTTATCAGAAAGATTATAAAGTGTGTCCAGTT-3'
Protein context (NP_057222.2, residues 193-213): APAYAVLKSI[Ile203Phe]QAGCRVAIYL